The following is an entry in ClinVar:

ClinVar aggregate classification (germline): Uncertain significance (1 of 4 stars; one submission).

Conditions:
Deafness, congenital heart defects, and posterior embryotoxon (DCHE). Identifiers: MedGen C1866053, MONDO:0060713, OMIM 617992.
Alagille syndrome due to a JAG1 point mutation. Also called: HEPATIC DUCTULAR HYPOPLASIA, SYNDROMATIC; Alagille Syndrome 1; JAG1-Related Alagille Syndrome. Identifiers: Orphanet 261619, Orphanet 52, MedGen C1956125, MONDO:0016862, OMIM 118450.
Tetralogy of Fallot (TOF). Identifiers: Orphanet 3303, MedGen C0039685, MONDO:0008542, OMIM 187500, HP:0001636.
Charcot-Marie-Tooth disease, axonal, Type 2HH. Also called: CHARCOT-MARIE-TOOTH NEUROPATHY, TYPE 2HH. Identifiers: MedGen C5562003, MONDO:0030458, OMIM 619574.

Submissions (2):

Fulgent Genetics
Classification: Uncertain significance for Alagille syndrome due to a JAG1 point mutation; Tetralogy of Fallot; Deafness, congenital heart defects, and posterior embryotoxon; Charcot-Marie-Tooth disease, axonal, Type 2HH. Last evaluated: 2024-01-22. Review status: criteria provided, single submitter. Criteria: ACMG Guidelines, 2015. Collection method: clinical testing. Allele origin: germline.

Gilbert/Spinner Lab, Children's Hospital of Philadelphia
No classification provided (evidence only). Condition: Alagille syndrome. Review status: no classification provided. Collection method: research. Allele origin: not applicable. Functional consequence: functionally_abnormal. Not counted in ClinVar's aggregate classification.
ClinVar note: "not provided" was previously submitted as the classification for the variant. However, the classification appeared to be based only on an observation of functional data so it was converted to no classification on 2025-07-30.

NM_000214.3(JAG1):c.968C>G (p.Ser323Cys)

Gene: JAG1 (jagged canonical Notch ligand 1; minus strand). Cytogenetic location: 20p12.2.
Variant type: single nucleotide variant.
Coding change: c.968C>G on transcript NM_000214.3 (MANE Select); coding-DNA position 968, C replaced by G.
Protein change: p.Ser323Cys; replaces serine 323 with cysteine.
Molecular consequence: missense variant.
Genome position (GRCh38, 1-based): chr20:10,652,169, G>C on the plus strand (C>G on the coding strand, the complement: JAG1 is on the minus strand). VCF-style: chr20-10652169-G-C. GRCh37 (hg19) VCF-style: chr20-10632817-G-C.
Other names: short protein forms S323C.
Identifiers: ClinVar variation 3573410 (VCV003573410.2).